The following is an entry in ClinVar:

NM_000057.4(BLM):c.1761C>G (p.Ile587Met)

Gene: BLM (BLM RecQ like helicase; plus strand). Cytogenetic location: 15q26.1.
Variant type: single nucleotide variant.
Coding change: c.1761C>G on transcript NM_000057.4 (MANE Select); coding-DNA position 1761, C replaced by G.
Protein change: p.Ile587Met; replaces isoleucine 587 with methionine.
Molecular consequence: missense variant.
Genome position (GRCh38, 1-based): chr15:90,761,134, C>G. VCF-style: chr15-90761134-C-G. GRCh37 (hg19) VCF-style: chr15-91304364-C-G.
Other names: c.1761C>G, p.Ile587Met (NM_001287246.2, NM_001287247.2); c.636C>G, p.Ile212Met (NM_001287248.2); short protein forms I587M, I212M.
Identifiers: ClinVar variation 1473352 (VCV001473352.8), dbSNP rs2151158924, ClinGen allele CA393843787.

ClinVar aggregate classification (germline): Uncertain significance (1 of 4 stars; one submission).

Conditions:
Bloom syndrome (BLM). Also called: Bloom-Torre-Machacek syndrome. Identifiers: Orphanet 125, MedGen C0005859, MONDO:0008876, OMIM 210900.

Submission:

Labcorp Genetics (formerly Invitae), Labcorp
Classification: Uncertain significance for Bloom syndrome. Last evaluated: 2021-05-04. Review status: criteria provided, single submitter. Criteria: Invitae Variant Classification Sherloc (09022015). Collection method: clinical testing. Allele origin: germline.
Comment: In summary, the available evidence is currently insufficient to determine the role of this variant in disease. Therefore, it has been classified as a Variant of Uncertain Significance. Algorithms developed to predict the effect of missense changes on protein structure and function are either unavailable or do not agree on the potential impact of this missense change (SIFT: "Tolerated"; PolyPhen-2: "Possibly Damaging"; Align-GVGD: "Class C0"). This variant has not been reported in the literature in individuals with BLM-related conditions. This variant is not present in population databases (ExAC no frequency). This sequence change replaces isoleucine with methionine at codon 587 of the BLM protein (p.Ile587Met). The isoleucine residue is weakly conserved and there is a small physicochemical difference between isoleucine and methionine.